The following is an entry in ClinVar:

NM_002335.4(LRP5):c.4200G>C (p.Met1400Ile)

Gene: LRP5 (LDL receptor related protein 5; plus strand). Cytogenetic location: 11q13.2.
Variant type: single nucleotide variant.
Coding change: c.4200G>C on transcript NM_002335.4 (MANE Select); coding-DNA position 4200, G replaced by C.
Protein change: p.Met1400Ile; replaces methionine 1400 with isoleucine.
Molecular consequence: missense variant.
Genome position (GRCh38, 1-based): chr11:68,438,534, G>C. VCF-style: chr11-68438534-G-C. GRCh37 (hg19) VCF-style: chr11-68206002-G-C.
Other names: c.2457G>C, p.Met819Ile (NM_001291902.2); short protein forms M1400I, M819I.
Identifiers: ClinVar variation 1310852 (VCV001310852.9), dbSNP rs748007622, ClinGen allele CA6150279.

ClinVar aggregate classification (germline): Uncertain significance. Review status: criteria provided, multiple submitters, no conflicts (2 of 4 stars). 2 submissions from 2 submitters: Uncertain significance (2). Last evaluated 2023-11-27.

Allele frequency attached by ClinVar (database versions not stated): TOPMed 0.00001; ExAC 0.00001; gnomAD 0.00001.

Submissions (2):

Labcorp Genetics (formerly Invitae), Labcorp
Classification: Uncertain significance. Last evaluated: 2023-11-27. Review status: criteria provided, single submitter. Criteria: Invitae Variant Classification Sherloc (09022015). Collection method: clinical testing. Allele origin: germline.
Comment: This sequence change replaces methionine, which is neutral and non-polar, with isoleucine, which is neutral and non-polar, at codon 1400 of the LRP5 protein (p.Met1400Ile). This variant is present in population databases (rs748007622, gnomAD 0.002%). This variant has not been reported in the literature in individuals affected with LRP5-related conditions. ClinVar contains an entry for this variant (Variation ID: 1310852). Advanced modeling of protein sequence and biophysical properties (such as structural, functional, and spatial information, amino acid conservation, physicochemical variation, residue mobility, and thermodynamic stability) performed at Invitae indicates that this missense variant is not expected to disrupt LRP5 protein function with a negative predictive value of 95%. In summary, the available evidence is currently insufficient to determine the role of this variant in disease. Therefore, it has been classified as a Variant of Uncertain Significance.

GeneDx
Classification: Uncertain significance. Last evaluated: 2019-12-10. Review status: criteria provided, single submitter. Criteria: GeneDx Variant Classification Process June 2021. Collection method: clinical testing. Allele origin: germline. Affected: yes.
Comment: Not observed at a significant frequency in large population cohorts (Lek et al., 2016); In silico analysis, which includes protein predictors and evolutionary conservation, supports that this variant does not alter protein structure/function; Has not been previously published as pathogenic or benign to our knowledge